The following is an entry in ClinVar:

NM_000038.6(APC):c.1958+17A>G

Gene: APC (APC regulator of Wnt signaling pathway; plus strand). Cytogenetic location: 5q22.2.
Variant type: single nucleotide variant.
Coding change: c.1958+17A>G on transcript NM_000038.6 (MANE Select); 17 bases into the intron after coding-DNA position 1958, A replaced by G.
Molecular consequence: intron variant.
Genome position (GRCh38, 1-based): chr5:112,835,182, A>G. VCF-style: chr5-112835182-A-G. GRCh37 (hg19) VCF-style: chr5-112170879-A-G.
Other names: c.1958+17A>G (NM_001354895.2, NM_001127510.3); c.1988+17A>G (NM_001354897.2); c.1685+17A>G (NM_001354902.2); c.1904+17A>G (NM_001127511.3); c.1883+17A>G (NM_001354898.2); c.1580+17A>G (NM_001354904.2); c.1109+17A>G (NM_001354906.2); c.2012+17A>G (NM_001354896.2); and 5 more.
Identifiers: ClinVar variation 628231 (VCV000628231.11), dbSNP rs753968575, ClinGen allele CA802045515.
Genomic context (GRCh38, chr5:112,835,182, plus strand): 5'-TTACGGAATGTGTCCAGCTTGATAGCTACAAATGAGGACCACAGGTATATATAGAGTTTT[A>G]TATTACTTTTAAAGTACAGAATTCATACTCTCAAAAAGACCTAATTGTAAGCAATGTTTT-3'

ClinVar aggregate classification (germline): Benign/Likely benign. Review status: criteria provided, multiple submitters, no conflicts (2 of 4 stars). 3 submissions from 3 submitters: Benign (1); Likely benign (2). Last evaluated 2025-06-01.

Conditions:
Hereditary cancer-predisposing syndrome. Also called: Neoplastic Syndromes, Hereditary; Tumor predisposition; Hereditary neoplastic syndrome; Hereditary Cancer Syndrome. Identifiers: Orphanet 140162, MedGen C0027672, MeSH D009386, MONDO:0015356.
Familial adenomatous polyposis 1 (FAP1). Also called: POLYPOSIS, ADENOMATOUS INTESTINAL; FAMILIAL ADENOMATOUS POLYPOSIS 1, ATTENUATED. Identifiers: MedGen C2713442, MONDO:0021056, OMIM 175100. Disease mechanism: loss of function.

Allele frequency attached by ClinVar (database versions not stated): TOPMed below 0.00001.
gnomAD v4.1: 1 of 1,594,134 alleles (0.000063%); highest among the groups gnomAD compares: Non-Finnish European, 0.000086%; no homozygotes.

Submissions (3):

Labcorp Genetics (formerly Invitae), Labcorp
Classification: Likely benign for Familial adenomatous polyposis 1. Last evaluated: 2025-06-01. Review status: criteria provided, single submitter. Criteria: Invitae Variant Classification Sherloc (09022015). Collection method: clinical testing. Allele origin: germline.

Myriad Genetics, Inc.
Classification: Benign for Familial adenomatous polyposis 1. Last evaluated: 2024-03-07. Review status: criteria provided, single submitter. Criteria: Myriad Autosomal Dominant, Autosomal Recessive and X-Linked Classification Criteria (2023). Collection method: clinical testing. Allele origin: unknown.
Comment: This variant is considered benign. This variant is intronic and is not expected to impact mRNA splicing.

Color Diagnostics, LLC DBA Color Health
Classification: Likely benign for Hereditary cancer-predisposing syndrome. Last evaluated: 2018-04-25. Review status: criteria provided, single submitter. Criteria: ACMG Guidelines, 2015. Collection method: clinical testing. Allele origin: germline.